The following is an entry in ClinVar:

ClinVar aggregate classification (germline): Pathogenic (1 of 4 stars; one submission).

Submission:

GeneDx
Classification: Pathogenic. Last evaluated: 2026-02-24. Review status: criteria provided, single submitter. Criteria: GeneDx Variant Classification Process June 2021. Collection method: clinical testing. Allele origin: germline.
Comment: Nonsense variant predicted to result in protein truncation or nonsense mediated decay in a gene for which loss of function is a known mechanism of disease; Not observed at significant frequency in large population cohorts (gnomAD); Has not been previously published as pathogenic or benign to our knowledge

NM_057175.5(NAA15):c.268C>T (p.Gln90Ter)

Gene: NAA15 (N-alpha-acetyltransferase 15, NatA auxiliary subunit; plus strand). Cytogenetic location: 4q31.1.
Variant type: single nucleotide variant.
Coding change: c.268C>T on transcript NM_057175.5 (MANE Select); coding-DNA position 268, C replaced by T.
Protein change: p.Gln90Ter; replaces glutamine 90 with a stop codon.
Molecular consequence: nonsense.
Genome position (GRCh38, 1-based): chr4:139,340,935, C>T. VCF-style: chr4-139340935-C-T. GRCh37 (hg19) VCF-style: chr4-140262089-C-T.
Other names: c.268C>T, p.Gln90Ter (NM_001410842.1); short protein forms Q90*.
Identifiers: ClinVar variation 3731239 (VCV003731239.2).